The following is an entry in ClinVar:

NM_000051.4(ATM):c.6101G>T (p.Arg2034Leu)

Genes: ATM (ATM serine/threonine kinase; plus strand), C11orf65 (chromosome 11 open reading frame 65; minus strand). Cytogenetic location: 11q22.3.
Variant type: single nucleotide variant.
Coding change: c.6101G>T on transcript NM_000051.4 (MANE Select); coding-DNA position 6101, G replaced by T.
Protein change: p.Arg2034Leu; replaces arginine 2034 with leucine.
Molecular consequence: missense variant. On other transcripts: intron variant (2).
Genome position (GRCh38, 1-based): chr11:108,316,016, G>T. VCF-style: chr11-108316016-G-T. GRCh37 (hg19) VCF-style: chr11-108186743-G-T.
Other names: c.6101G>T, p.Arg2034Leu (NM_001351834.2); c.641-6945C>A (NM_001330368.2); c.*39-6945C>A (NM_001351110.2); short protein forms R2034L.
Identifiers: ClinVar variation 3801051 (VCV003801051.1).

ClinVar aggregate classification (germline): Uncertain significance (1 of 4 stars; one submission).

Conditions:
Hereditary cancer-predisposing syndrome. Also called: Neoplastic Syndromes, Hereditary; Tumor predisposition; Hereditary Cancer Syndrome; Hereditary neoplastic syndrome. Identifiers: Orphanet 140162, MedGen C0027672, MeSH D009386, MONDO:0015356.

Submission:

Ambry Genetics
Classification: Uncertain significance for Hereditary cancer-predisposing syndrome. Last evaluated: 2024-12-16. Review status: criteria provided, single submitter. Criteria: Ambry Variant Classification Scheme 2023. Collection method: clinical testing. Allele origin: germline.
Comment: The p.R2034L variant (also known as c.6101G>T), located in coding exon 41 of the ATM gene, results from a G to T substitution at nucleotide position 6101. The arginine at codon 2034 is replaced by leucine, an amino acid with dissimilar properties. This amino acid position is highly conserved in available vertebrate species. In addition, the in silico prediction for this alteration is inconclusive. Based on the available evidence, the clinical significance of this variant remains unclear.